The following is an entry in ClinVar:

ClinVar aggregate classification (germline): Uncertain significance. Review status: criteria provided, multiple submitters, no conflicts (2 of 4 stars). 2 submissions from 2 submitters: Uncertain significance (2). Last evaluated 2024-08-27.

Conditions:
Epileptic encephalopathy. Identifiers: MedGen C0543888, HP:0200134.

Allele frequency attached by ClinVar (database versions not stated): ExAC 0.00006; gnomAD 0.00015; TOPMed 0.00018; ESP Exome Variant Server 0.00025.
gnomAD v4.1: 54 of 1,613,684 alleles (0.0033%); highest among the groups gnomAD compares: African/African-American, 0.047%; no homozygotes.

Submissions (2):

Ambry Genetics
Classification: Uncertain significance. Last evaluated: 2024-08-27. Review status: criteria provided, single submitter. Criteria: Ambry Variant Classification Scheme 2023. Collection method: clinical testing. Allele origin: germline.

Labcorp Genetics (formerly Invitae), Labcorp
Classification: Uncertain significance for Epileptic encephalopathy. Last evaluated: 2024-05-06. Review status: criteria provided, single submitter. Criteria: Invitae Variant Classification Sherloc (09022015). Collection method: clinical testing. Allele origin: germline.
Comment: This sequence change replaces alanine, which is neutral and non-polar, with valine, which is neutral and non-polar, at codon 2594 of the RYR3 protein (p.Ala2594Val). This variant is present in population databases (rs201466342, gnomAD 0.07%), and has an allele count higher than expected for a pathogenic variant. This variant has not been reported in the literature in individuals affected with RYR3-related conditions. ClinVar contains an entry for this variant (Variation ID: 954077). Advanced modeling of protein sequence and biophysical properties (such as structural, functional, and spatial information, amino acid conservation, physicochemical variation, residue mobility, and thermodynamic stability) performed at Invitae indicates that this missense variant is not expected to disrupt RYR3 protein function with a negative predictive value of 80%. In summary, the available evidence is currently insufficient to determine the role of this variant in disease. Therefore, it has been classified as a Variant of Uncertain Significance.

NM_001036.6(RYR3):c.7781C>T (p.Ala2594Val)

Gene: RYR3 (ryanodine receptor 3; plus strand). Cytogenetic location: 15q14.
Variant type: single nucleotide variant.
Coding change: c.7781C>T on transcript NM_001036.6 (MANE Select); coding-DNA position 7781, C replaced by T.
Protein change: p.Ala2594Val; replaces alanine 2594 with valine.
Molecular consequence: missense variant.
Genome position (GRCh38, 1-based): chr15:33,739,956, C>T. VCF-style: chr15-33739956-C-T. GRCh37 (hg19) VCF-style: chr15-34032157-C-T.
Other names: c.7781C>T, p.Ala2594Val (NM_001243996.4); c.7781C>T (NM_001036.3); short protein forms A2594V.
Identifiers: ClinVar variation 954077 (VCV000954077.10), dbSNP rs201466342, ClinGen allele CA7459983.
Genomic context (GRCh38, chr15:33,739,956, plus strand): 5'-CACCAGATTATTTAGATACCAGAATCACAGCCACGTTGGAGAAACAGATCTCAGTGGATG[C>T]GGATGGCAACTTTGACCCAAAACCTATTAACACCATGAAGTGAGTCCAGAATCATCTCTG-3'
Protein context (NP_001027.3, residues 2584-2604): ATLEKQISVD[Ala2594Val]DGNFDPKPIN